The following is an entry in ClinVar:

NM_020533.3(MCOLN1):c.89C>T (p.Pro30Leu)

Gene: MCOLN1 (mucolipin TRP cation channel 1; plus strand). Cytogenetic location: 19p13.2.
Variant type: single nucleotide variant.
Coding change: c.89C>T on transcript NM_020533.3 (MANE Select); coding-DNA position 89, C replaced by T.
Protein change: p.Pro30Leu; replaces proline 30 with leucine.
Molecular consequence: missense variant.
Genome position (GRCh38, 1-based): chr19:7,525,018, C>T. VCF-style: chr19-7525018-C-T. GRCh37 (hg19) VCF-style: chr19-7589904-C-T.
Other names: c.89C>T (NM_020533.2); short protein forms P30L.
Identifiers: ClinVar variation 1042404 (VCV001042404.15), dbSNP rs200297215, ClinGen allele CA9138606.

ClinVar aggregate classification (germline): Conflicting classifications of pathogenicity. Review status: criteria provided, conflicting classifications (1 of 4 stars). 4 submissions from 4 submitters: Uncertain significance (2); Likely benign (1). 1 of the submissions does not count toward it. Last evaluated 2026-01-26.

Conditions:
Mucolipidosis type IV (ML4). Also called: ML IV. Identifiers: Orphanet 578, MedGen C0238286, MONDO:0009653, OMIM 252650.
Inborn genetic diseases. Identifiers: MedGen C0950123, MeSH D030342.

Allele frequency attached by ClinVar (database versions not stated): gnomAD exomes 0.00010 and 0.00006; ExAC 0.00011; gnomAD 0.00011 and 0.00009; 1000 Genomes Project 30x 0.00031; TOPMed 0.00003; 1000 Genomes Project 0.00020.
gnomAD v4.1: 109 of 1,613,894 alleles (0.0068%); highest among the groups gnomAD compares: Middle Eastern, 0.017%; no homozygotes.

Submissions (4):

Labcorp Genetics (formerly Invitae), Labcorp
Classification: Likely benign for Mucolipidosis type IV. Last evaluated: 2026-01-26. Review status: criteria provided, single submitter. Criteria: Invitae Variant Classification Sherloc (09022015). Collection method: clinical testing. Allele origin: germline.

Dasa
Classification: Uncertain significance. Last evaluated: 2025-01-31. Review status: criteria provided, single submitter. Criteria: DASA Assertion Criteria. Collection method: clinical testing. Allele origin: germline.
Comment: NM_020533.3(MCOLN1):c.89C>T (p.Pro30Leu) is a missense variant that results in the substitution of proline with leucine. This variant is rare in population databases. Computational prediction algorithms are consistent with a benign effect. The currently available literature and clinical evidence are not sufficient to establish a definitive association between this variant and the reported condition. Therefore, this variant is classified as a variant of uncertain significance.

Ambry Genetics
Classification: Uncertain significance for Inborn genetic diseases. Last evaluated: 2023-12-08. Review status: criteria provided, single submitter. Criteria: Ambry Variant Classification Scheme 2023. Collection method: clinical testing. Allele origin: germline.

Natera, Inc.
Classification: Uncertain significance for Mucolipidosis type IV. Last evaluated: 2018-06-07. Review status: no assertion criteria provided. Collection method: clinical testing. Allele origin: germline. Not counted in ClinVar's aggregate classification.